The following is an entry in ClinVar:

ClinVar aggregate classification (germline): Uncertain significance. Review status: criteria provided, multiple submitters, no conflicts (2 of 4 stars). 3 submissions from 3 submitters: Uncertain significance (3). Last evaluated 2026-08-10.

Conditions:
Bloom syndrome (BLM). Also called: Bloom-Torre-Machacek syndrome. Identifiers: Orphanet 125, MedGen C0005859, MONDO:0008876, OMIM 210900.

Submissions (3):

Myriad Genetics, Inc.
Classification: Uncertain significance for Bloom syndrome. Last evaluated: 2026-08-10. Review status: criteria provided, single submitter. Criteria: Myriad Autosomal Dominant, Autosomal Recessive and X-Linked Classification Criteria (2023). Collection method: clinical testing. Allele origin: unknown.
Comment: NM_000057.3(BLM):c.14C>T(P5L) is a missense variant classified as a variant of uncertain significance in the context of Bloom syndrome. P5L has not been observed in cases with relevant disease. Relevant functional assessments of this variant are not available in the literature. P5L has not been observed in referenced population frequency databases. In summary, there is insufficient evidence to classify NM_000057.3(BLM):c.14C>T(P5L) as pathogenic or benign. Please note: this variant was assessed in the context of healthy population screening.

Fulgent Genetics
Classification: Uncertain significance for Bloom syndrome. Last evaluated: 2021-09-08. Review status: criteria provided, single submitter. Criteria: ACMG Guidelines, 2015. Collection method: clinical testing. Allele origin: unknown.

Mendelics
Classification: Uncertain significance for Bloom syndrome. Last evaluated: 2018-07-02. Review status: criteria provided, single submitter. Criteria: Mendelics Assertion Criteria 2017. Collection method: clinical testing. Allele origin: unknown.

NM_000057.4(BLM):c.14C>T (p.Pro5Leu)

Gene: BLM (BLM RecQ like helicase; plus strand). Cytogenetic location: 15q26.1.
Variant type: single nucleotide variant.
Coding change: c.14C>T on transcript NM_000057.4 (MANE Select); coding-DNA position 14, C replaced by T.
Protein change: p.Pro5Leu; replaces proline 5 with leucine.
Molecular consequence: missense variant. On other transcripts: 5 prime UTR variant (1).
Genome position (GRCh38, 1-based): chr15:90,747,406, C>T. VCF-style: chr15-90747406-C-T. GRCh37 (hg19) VCF-style: chr15-91290636-C-T.
Other names: c.14C>T, p.Pro5Leu (NM_001287246.2, NM_001287247.2); c.-1278C>T (NM_001287248.2); short protein forms P5L.
Identifiers: ClinVar variation 584877 (VCV000584877.4), dbSNP rs1567034056, ClinGen allele CA393838778.
Genomic context (GRCh38, chr15:90,747,406, plus strand): 5'-AAAGTACCTAACTCCACTGATTTCTTTTTCCCTCACTTTTTAGGATTATGGCTGCTGTTC[C>T]TCAAAATAATCTACAGGAGCAACTAGAACGTCACTCAGCCAGAACACTTAATAATAAATT-3'
Protein context (NP_000048.1, residues 1-15): MAAV[Pro5Leu]QNNLQEQLER